The following is an entry in ClinVar:

ClinVar aggregate classification (germline): Benign/Likely benign. Review status: criteria provided, multiple submitters, no conflicts (2 of 4 stars). 3 submissions from 3 submitters: Benign (1); Likely benign (2). Last evaluated 2025-12-01.

Conditions:
Bardet-Biedl syndrome (BBS). Identifiers: Orphanet 110, MedGen C0752166, MONDO:0015229.

Allele frequency attached by ClinVar (database versions not stated): 1000 Genomes Project 0.00160; TOPMed 0.00241; gnomAD 0.00243 and 0.00252; ESP Exome Variant Server 0.00264; gnomAD exomes 0.00317 and 0.00415; ExAC 0.00324.

Submissions (3):

CeGaT Center for Human Genetics Tuebingen
Classification: Likely benign. Last evaluated: 2025-12-01. Review status: criteria provided, single submitter. Criteria: CeGaT Center For Human Genetics Tuebingen Variant Classification Criteria Version 2. Collection method: clinical testing. Allele origin: germline. Affected: yes. Observed: 3 variant alleles.
Comment: BBS4: BS2

Labcorp Genetics (formerly Invitae), Labcorp
Classification: Benign for Bardet-Biedl syndrome. Last evaluated: 2024-01-19. Review status: criteria provided, single submitter. Criteria: Invitae Variant Classification Sherloc (09022015). Collection method: clinical testing. Allele origin: germline.

GeneDx
Classification: Likely benign. Last evaluated: 2019-04-25. Review status: criteria provided, single submitter. Criteria: GeneDx Variant Classification Process June 2021. Collection method: clinical testing. Allele origin: germline. Affected: yes.
Comment: See Variant Classification Assertion Criteria.

NM_033028.5(BBS4):c.332+27dup

Gene: BBS4 (Bardet-Biedl syndrome 4; plus strand). Cytogenetic location: 15q24.1.
Variant type: Duplication.
Coding change: c.332+27dup on transcript NM_033028.5 (MANE Select); 27 bases into the intron after coding-DNA position 332, one base duplicated (A; older notation c.332+27dupA).
Molecular consequence: intron variant.
Genome position (GRCh38, 1-based): chr15:72,715,429, A duplicated. VCF-style (leftmost placement, unchanged base first): chr15-72715428-T-TA. GRCh37 (hg19) VCF-style: chr15-73007769-T-TA.
Other names: c.332+27dup (NM_001320665.2); c.-190+27dup (NM_001252678.2).
Identifiers: ClinVar variation 1169821 (VCV001169821.34), dbSNP rs558055315, ClinGen allele CA7646583.